The following is an entry in ClinVar:

ClinVar aggregate classification (germline): Uncertain significance (1 of 4 stars; one submission).

Allele frequency attached by ClinVar (database versions not stated): gnomAD exomes below 0.00001.
gnomAD v4.1: 2 of 1,614,090 alleles (0.00012%); highest among the groups gnomAD compares: Non-Finnish European, 0.000085%; no homozygotes.

Submission:

Labcorp Genetics (formerly Invitae), Labcorp
Classification: Uncertain significance. Last evaluated: 2025-03-19. Review status: criteria provided, single submitter. Criteria: Invitae Variant Classification Sherloc (09022015). Collection method: clinical testing. Allele origin: germline.
Comment: This sequence change replaces aspartic acid, which is acidic and polar, with glutamic acid, which is acidic and polar, at codon 183 of the ALPL protein (p.Asp183Glu). This variant is present in population databases (no rsID available, gnomAD 0.003%). This variant has not been reported in the literature in individuals affected with ALPL-related conditions. ClinVar contains an entry for this variant (Variation ID: 1986778). Invitae Evidence Modeling of protein sequence and biophysical properties (such as structural, functional, and spatial information, amino acid conservation, physicochemical variation, residue mobility, and thermodynamic stability) indicates that this missense variant is expected to disrupt ALPL protein function with a positive predictive value of 80%. This variant disrupts the p.Asp183 amino acid residue in ALPL. Other variant(s) that disrupt this residue have been observed in individuals with ALPL-related conditions (PMID: 22397652, 32066479), which suggests that this may be a clinically significant amino acid residue. In summary, the available evidence is currently insufficient to determine the role of this variant in disease. Therefore, it has been classified as a Variant of Uncertain Significance.

Literature cited by the submitters: PubMed 22397652; PubMed 32066479.

NM_000478.6(ALPL):c.549C>G (p.Asp183Glu)

Gene: ALPL (alkaline phosphatase, biomineralization associated; plus strand). Cytogenetic location: 1p36.12.
Variant type: single nucleotide variant.
Coding change: c.549C>G on transcript NM_000478.6 (MANE Select); coding-DNA position 549, C replaced by G.
Protein change: p.Asp183Glu; replaces aspartic acid 183 with glutamic acid.
Molecular consequence: missense variant.
Genome position (GRCh38, 1-based): chr1:21,564,117, C>G. VCF-style: chr1-21564117-C-G. GRCh37 (hg19) VCF-style: chr1-21890610-C-G.
Other names: c.384C>G, p.Asp128Glu (NM_001127501.4); c.318C>G, p.Asp106Glu (NM_001177520.3); c.549C>G, p.Asp183Glu (NM_001369803.2, NM_001369804.2, NM_001369805.2); short protein forms D106E, D183E, D128E.
Identifiers: ClinVar variation 1986778 (VCV001986778.4), dbSNP rs1193153163, ClinGen allele CA338877989.
Genomic context (GRCh38, chr1:21,564,117, plus strand): 5'-TGTGACCACCACGAGAGTGAACCATGCCACCCCCAGCGCCGCCTACGCCCACTCGGCTGA[C>G]CGGGACTGGTACTCAGACAACGAGATGCCCCCTGAGGCCTTGAGCCAGGGCTGTAAGGAC-3'
Protein context (NP_000469.3, residues 173-193): TPSAAYAHSA[Asp183Glu]RDWYSDNEMP